The following is an entry in ClinVar:

ClinVar aggregate classification (germline): Pathogenic. Review status: criteria provided, multiple submitters, no conflicts (2 of 4 stars). 3 submissions from 3 submitters: Pathogenic (3). Last evaluated 2024-12-27.

Conditions:
Cerebral cavernous malformation (CCM). Also called: CAVERNOUS ANGIOMA, FAMILIAL; CAVERNOUS ANGIOMATOUS MALFORMATIONS; CEREBRAL CAPILLARY MALFORMATIONS; Cavernous Hemangioma of Brain; Cerebral cavernous hemangioma (type); Cerebral cavernous malformations. Identifiers: Orphanet 221061, MedGen C2919945, MONDO:0000820, OMIM 116860, HP:0033522.
KRIT1-related disorder. Also called: KRIT1-related disorders; KRIT1-related condition.

Submissions (3):

GeneDx
Classification: Pathogenic. Last evaluated: 2024-12-27. Review status: criteria provided, single submitter. Criteria: GeneDx Variant Classification Process June 2021. Collection method: clinical testing. Allele origin: germline. Affected: yes.
Comment: Identified in patients with cerebral cavernous malformations referred for genetic testing at GeneDx and in published literature (PMID: 12404106); Canonical splice site variant predicted to result in a null allele in a gene for which loss of function is a known mechanism of disease; Not observed at significant frequency in large population cohorts (gnomAD); This variant is associated with the following publications: (PMID: 12404106)

Labcorp Genetics (formerly Invitae), Labcorp
Classification: Pathogenic for Cerebral cavernous malformation. Last evaluated: 2022-02-03. Review status: criteria provided, single submitter. Criteria: Invitae Variant Classification Sherloc (09022015). Collection method: clinical testing. Allele origin: germline.
Comment: For these reasons, this variant has been classified as Pathogenic. Studies have shown that disruption of this splice site results in skipping of exon 9 and introduces a premature termination codon (PMID: 12404106). The resulting mRNA is expected to undergo nonsense-mediated decay. ClinVar contains an entry for this variant (Variation ID: 379227). This variant is also known as IVS7-2A>G. Disruption of this splice site has been observed in individuals with clinical features of cerebral cavernous malformations (PMID: 12404106; Invitae). This variant is not present in population databases (gnomAD no frequency). This sequence change affects an acceptor splice site in intron 8 of the KRIT1 gene. RNA analysis indicates that disruption of this splice site induces altered splicing and may result in an absent or disrupted protein product.

Blueprint Genetics
Classification: Pathogenic for KRIT1-related disorders. Last evaluated: 2021-02-22. Review status: criteria provided, single submitter. Criteria: ACMG Guidelines, 2015. Collection method: clinical testing. Allele origin: germline. Affected: yes. Observed: 2 variant alleles.

Literature cited by the submitters: PubMed 12404106 (cited by Labcorp Genetics (formerly Invitae), Labcorp).

NM_194454.3(KRIT1):c.486-2A>G

Gene: KRIT1 (KRIT1 ankyrin repeat containing; minus strand). Cytogenetic location: 7q21.2.
Variant type: single nucleotide variant.
Coding change: c.486-2A>G on transcript NM_194454.3 (MANE Select); the canonical splice acceptor site of the intron before coding-DNA position 486, A replaced by G.
Molecular consequence: splice acceptor variant.
Genome position (GRCh38, 1-based): chr7:92,235,648, T>C on the plus strand (A>G on the coding strand, the complement: KRIT1 is on the minus strand). VCF-style: chr7-92235648-T-C. GRCh37 (hg19) VCF-style: chr7-91864962-T-C.
Other names: c.486-2A>G (NM_001350672.1, NM_001350676.1, NM_001350673.1 and 29 more transcripts); c.-98-2A>G (NM_001350671.1).
Identifiers: ClinVar variation 379227 (VCV000379227.11), dbSNP rs965713946, ClinGen allele CA16605155.
Genomic context (GRCh38, chr7:92,235,648, plus strand): 5'-GAGAAGGTCGGAATAAAGCTGGAATAAAGTGAGATTGTGCATGACGTTCATCTAACCACC[T>C]GGCAAAATAAAAAAACAGGTAGAAGTAGCCATTCGAAAGTGAAGATGAAAAAGATAGATT-3'